The following is an entry in ClinVar:

NM_001040142.2(SCN2A):c.3760A>T (p.Ile1254Phe)

Gene: SCN2A (sodium voltage-gated channel alpha subunit 2; plus strand). Cytogenetic location: 2q24.3.
Variant type: single nucleotide variant.
Coding change: c.3760A>T on transcript NM_001040142.2 (MANE Select); coding-DNA position 3760, A replaced by T.
Protein change: p.Ile1254Phe; replaces isoleucine 1254 with phenylalanine.
Molecular consequence: missense variant.
Genome position (GRCh38, 1-based): chr2:165,370,210, A>T. VCF-style: chr2-165370210-A-T. GRCh37 (hg19) VCF-style: chr2-166226720-A-T.
Other names: c.3760A>T, p.Ile1254Phe (NM_001040143.2, NM_001371246.1, NM_001371247.1 and 1 more transcripts); short protein forms I1254F.
Identifiers: ClinVar variation 2947980 (VCV002947980.3), dbSNP rs2468082173, ClinGen allele CA349027985.

ClinVar aggregate classification (germline): Uncertain significance (1 of 4 stars; one submission).

Conditions:
Seizures, benign familial infantile, 3 (BFIS3). Also called: CONVULSIONS, BENIGN FAMILIAL INFANTILE, 3; Familial neonatal seizures. Identifiers: Orphanet 140927, Orphanet 306, MedGen C1843140, MONDO:0011904, OMIM 607745.
Developmental and epileptic encephalopathy, 11 (DEE11). Also called: Early infantile epileptic encephalopathy 11. Identifiers: Orphanet 1934, MedGen C3150987, MONDO:0013388, OMIM 613721.

Submission:

Labcorp Genetics (formerly Invitae), Labcorp
Classification: Uncertain significance for Seizures, benign familial infantile, 3; Developmental and epileptic encephalopathy, 11. Last evaluated: 2023-05-20. Review status: criteria provided, single submitter. Criteria: Invitae Variant Classification Sherloc (09022015). Collection method: clinical testing. Allele origin: germline.
Comment: Advanced modeling of protein sequence and biophysical properties (such as structural, functional, and spatial information, amino acid conservation, physicochemical variation, residue mobility, and thermodynamic stability) performed at Invitae indicates that this missense variant is expected to disrupt SCN2A protein function. In summary, the available evidence is currently insufficient to determine the role of this variant in disease. Therefore, it has been classified as a Variant of Uncertain Significance. This variant has not been reported in the literature in individuals affected with SCN2A-related conditions. This variant is not present in population databases (gnomAD no frequency). This sequence change replaces isoleucine, which is neutral and non-polar, with phenylalanine, which is neutral and non-polar, at codon 1254 of the SCN2A protein (p.Ile1254Phe).